The following is an entry in ClinVar:

NM_001077350.3(NPRL3):c.9C>G (p.Asp3Glu)

Genes: HBA-LCR (alpha-globin locus control region; plus strand), NPRL3 (NPR3 like, GATOR1 complex subunit; minus strand). Cytogenetic location: 16p13.3.
Variant type: single nucleotide variant.
Coding change: c.9C>G on transcript NM_001077350.3 (MANE Select); coding-DNA position 9, C replaced by G.
Protein change: p.Asp3Glu; replaces aspartic acid 3 with glutamic acid.
Molecular consequence: missense variant. On other transcripts: 5 prime UTR variant (2).
Genome position (GRCh38, 1-based): chr16:138,259, G>C on the plus strand (C>G on the coding strand, the complement: NPRL3 is on the minus strand). VCF-style: chr16-138259-G-C. GRCh37 (hg19) VCF-style: chr16-188258-G-C.
Other names: c.-324C>G (NM_001039476.3); c.-363C>G (NM_001243247.2); c.9C>G, p.Asp3Glu (NM_001243248.2, NM_001243249.2); short protein forms D3E.
Identifiers: ClinVar variation 851802 (VCV000851802.14), dbSNP rs1478358968, ClinGen allele CA393999713.

ClinVar aggregate classification (germline): Uncertain significance. Review status: criteria provided, multiple submitters, no conflicts (2 of 4 stars). 3 submissions from 3 submitters: Uncertain significance (2). 1 of the submissions does not count toward it. Last evaluated 2025-07-21.

Conditions:
NPRL3-related disorder. Also called: NPRL3-related condition.
Epilepsy, familial focal, with variable foci 3 (FFEVF3). Identifiers: MedGen C4310708, MONDO:0014925, OMIM 617118.

Allele frequency attached by ClinVar (database versions not stated): gnomAD exomes below 0.00001; TOPMed 0.00001.
gnomAD v4.1: 8 of 1,602,286 alleles (0.0005%); highest among the groups gnomAD compares: Admixed American, 0.0034%; no homozygotes.

Submissions (3):

Labcorp Genetics (formerly Invitae), Labcorp
Classification: Uncertain significance for Epilepsy, familial focal, with variable foci 3. Last evaluated: 2025-07-21. Review status: criteria provided, single submitter. Criteria: Invitae Variant Classification Sherloc (09022015). Collection method: clinical testing. Allele origin: germline.
Comment: This sequence change replaces aspartic acid, which is acidic and polar, with glutamic acid, which is acidic and polar, at codon 3 of the NPRL3 protein (p.Asp3Glu). This variant is present in population databases (no rsID available, gnomAD 0.003%). This variant has not been reported in the literature in individuals affected with NPRL3-related conditions. ClinVar contains an entry for this variant (Variation ID: 851802). Experimental studies and prediction algorithms are not available or were not evaluated, and the functional significance of this variant is currently unknown. In summary, the available evidence is currently insufficient to determine the role of this variant in disease. Therefore, it has been classified as a Variant of Uncertain Significance.

GeneDx
Classification: Uncertain significance. Last evaluated: 2022-05-27. Review status: criteria provided, single submitter. Criteria: GeneDx Variant Classification Process June 2021. Collection method: clinical testing. Allele origin: germline. Affected: yes.
Comment: Not observed at significant frequency in large population cohorts (gnomAD); In silico analysis supports that this missense variant does not alter protein structure/function; Has not been previously published as pathogenic or benign to our knowledge

PreventionGenetics, part of Exact Sciences
Classification: Uncertain significance for NPRL3-related condition. Last evaluated: 2023-10-27. Review status: no assertion criteria provided. Collection method: clinical testing. Allele origin: germline. Not counted in ClinVar's aggregate classification.
Comment: The NPRL3 c.9C>G variant is predicted to result in the amino acid substitution p.Asp3Glu. To our knowledge, this variant has not been reported in the literature. This variant is reported in 0.0031% of alleles in individuals of Latino descent in gnomAD. At this time, the clinical significance of this variant is uncertain due to the absence of conclusive functional and genetic evidence.